The following is an entry in ClinVar:

ClinVar aggregate classification (germline): Uncertain significance (1 of 4 stars; one submission).

Conditions:
Rhabdoid tumor predisposition syndrome 2 (RTPS2). Identifiers: Orphanet 231108, Orphanet 69077, MedGen C2750074, MONDO:0013224, OMIM 613325.

Allele frequency attached by ClinVar (database versions not stated): gnomAD exomes below 0.00001.

Submission:

Labcorp Genetics (formerly Invitae), Labcorp
Classification: Uncertain significance for Rhabdoid tumor predisposition syndrome 2. Last evaluated: 2022-09-26. Review status: criteria provided, single submitter. Criteria: Invitae Variant Classification Sherloc (09022015). Collection method: clinical testing. Allele origin: germline.
Comment: Advanced modeling of protein sequence and biophysical properties (such as structural, functional, and spatial information, amino acid conservation, physicochemical variation, residue mobility, and thermodynamic stability) performed at Invitae indicates that this missense variant is not expected to disrupt SMARCA4 protein function. In summary, the available evidence is currently insufficient to determine the role of this variant in disease. Therefore, it has been classified as a Variant of Uncertain Significance. ClinVar contains an entry for this variant (Variation ID: 1415387). This variant has not been reported in the literature in individuals affected with SMARCA4-related conditions. This variant is not present in population databases (gnomAD no frequency). This sequence change replaces alanine, which is neutral and non-polar, with valine, which is neutral and non-polar, at codon 39 of the SMARCA4 protein (p.Ala39Val).

NM_003072.5(SMARCA4):c.116C>T (p.Ala39Val)

Gene: SMARCA4 (SWI/SNF related BAF chromatin remodeling complex subunit ATPase 4; plus strand). Cytogenetic location: 19p13.2.
Variant type: single nucleotide variant.
Coding change: c.116C>T on transcript NM_003072.5 (MANE Select); coding-DNA position 116, C replaced by T.
Protein change: p.Ala39Val; replaces alanine 39 with valine.
Molecular consequence: missense variant. On other transcripts: non-coding transcript variant (1).
Genome position (GRCh38, 1-based): chr19:10,984,267, C>T. VCF-style: chr19-10984267-C-T. GRCh37 (hg19) VCF-style: chr19-11094943-C-T.
Other names: c.116C>T, p.Ala39Val (NM_001128844.3, NM_001128845.2, NM_001128846.2 and 5 more transcripts); short protein forms A39V.
Identifiers: ClinVar variation 1415387 (VCV001415387.6), dbSNP rs2145723731, ClinGen allele CA404054287.